The following is an entry in ClinVar:

NM_000260.4(MYO7A):c.814T>G (p.Leu272Val)

Gene: MYO7A (myosin VIIA; plus strand). Cytogenetic location: 11q13.5.
Variant type: single nucleotide variant.
Coding change: c.814T>G on transcript NM_000260.4 (MANE Select); coding-DNA position 814, T replaced by G.
Protein change: p.Leu272Val; replaces leucine 272 with valine.
Molecular consequence: missense variant.
Genome position (GRCh38, 1-based): chr11:77,157,357, T>G. VCF-style: chr11-77157357-T-G. GRCh37 (hg19) VCF-style: chr11-76868403-T-G.
Other names: c.814T>G, p.Leu272Val (NM_001127180.2); c.781T>G, p.Leu261Val (NM_001369365.1); short protein forms L261V, L272V.
Identifiers: ClinVar variation 1937800 (VCV001937800.2), dbSNP rs2496764368, ClinGen allele CA381932571.

ClinVar aggregate classification (germline): Uncertain significance (1 of 4 stars; one submission).

Allele frequency attached by ClinVar (database versions not stated): gnomAD exomes below 0.00001.
gnomAD v4.1: 1 of 1,611,412 alleles (0.000062%); highest among the groups gnomAD compares: Admixed American, 0.0017%; no homozygotes.

Submission:

Labcorp Genetics (formerly Invitae), Labcorp
Classification: Uncertain significance. Last evaluated: 2022-05-27. Review status: criteria provided, single submitter. Criteria: Invitae Variant Classification Sherloc (09022015). Collection method: clinical testing. Allele origin: germline.
Comment: This sequence change replaces leucine, which is neutral and non-polar, with valine, which is neutral and non-polar, at codon 272 of the MYO7A protein (p.Leu272Val). This variant is not present in population databases (gnomAD no frequency). This variant has not been reported in the literature in individuals affected with MYO7A-related conditions. Algorithms developed to predict the effect of missense changes on protein structure and function are either unavailable or do not agree on the potential impact of this missense change (SIFT: "Deleterious"; PolyPhen-2: "Probably Damaging"; Align-GVGD: "Class C0"). In summary, the available evidence is currently insufficient to determine the role of this variant in disease. Therefore, it has been classified as a Variant of Uncertain Significance.